The following is an entry in ClinVar:

ClinVar aggregate classification (germline): Benign/Likely benign. Review status: criteria provided, multiple submitters, no conflicts (2 of 4 stars). 4 submissions from 4 submitters: Benign (1); Likely benign (2). 1 of the submissions does not count toward it. Last evaluated 2025-12-13.

Conditions:
ARID1A-related disorder. Also called: ARID1A-related condition.

Allele frequency attached by ClinVar (database versions not stated): gnomAD below 0.00001 and 0.00003; gnomAD exomes 0.00066; ExAC 0.01068.
gnomAD v4.1: 88 of 1,320,222 alleles (0.0067%); highest among the groups gnomAD compares: South Asian, 0.14%; no homozygotes.

Submissions (4):

Labcorp Genetics (formerly Invitae), Labcorp
Classification: Benign. Last evaluated: 2025-12-13. Review status: criteria provided, single submitter. Criteria: Invitae Variant Classification Sherloc (09022015). Collection method: clinical testing. Allele origin: germline.

Blueprint Genetics
Classification: Likely benign. Last evaluated: 2022-12-08. Review status: criteria provided, single submitter. Criteria: ACMG Guidelines, 2015. Collection method: clinical testing. Allele origin: germline.

Genetic Services Laboratory, University of Chicago
Classification: Likely benign. Last evaluated: 2016-08-22. Review status: criteria provided, single submitter. Criteria: ACMG Guidelines, 2015. Collection method: clinical testing. Allele origin: germline. Affected: no.

PreventionGenetics, part of Exact Sciences
Classification: Likely benign for ARID1A-related condition. Last evaluated: 2019-06-27. Review status: no assertion criteria provided. Collection method: clinical testing. Allele origin: germline. Not counted in ClinVar's aggregate classification.
Comment: This variant is classified as likely benign based on ACMG/AMP sequence variant interpretation guidelines (Richards et al. 2015 PMID: 25741868, with internal and published modifications).

NM_006015.6(ARID1A):c.264C>T (p.Ala88=)

Gene: ARID1A (AT-rich interaction domain 1A; plus strand). Cytogenetic location: 1p36.11.
Variant type: single nucleotide variant.
Coding change: c.264C>T on transcript NM_006015.6 (MANE Select); coding-DNA position 264, C replaced by T.
Protein change: p.Ala88=; no amino-acid change (alanine 88 retained).
Molecular consequence: synonymous variant.
Genome position (GRCh38, 1-based): chr1:26,696,667, C>T. VCF-style: chr1-26696667-C-T. GRCh37 (hg19) VCF-style: chr1-27023158-C-T.
Other names: c.264C>T, p.Ala88= (NM_139135.4); c.264C>T (LRG_875t1).
Identifiers: ClinVar variation 434313 (VCV000434313.13), dbSNP rs765913797, ClinGen allele CA706576.